The following is an entry in ClinVar:

ClinVar aggregate classification (germline): Uncertain significance. Review status: criteria provided, multiple submitters, no conflicts (2 of 4 stars). 2 submissions from 2 submitters: Uncertain significance (2). Last evaluated 2025-11-04.

Conditions:
Inborn genetic diseases. Identifiers: MedGen C0950123, MeSH D030342.

Allele frequency attached by ClinVar (database versions not stated): ESP Exome Variant Server 0.00008; TOPMed 0.00012; ExAC 0.00005; gnomAD 0.00008; gnomAD exomes 0.00001.
gnomAD v4.1: 24 of 1,613,330 alleles (0.0015%); highest among the groups gnomAD compares: African/African-American, 0.031%; no homozygotes.

Submissions (3):

Ambry Genetics
Classification: Uncertain significance for Inborn genetic diseases. Last evaluated: 2025-11-04. Review status: criteria provided, single submitter. Criteria: Ambry Variant Classification Scheme 2023. Collection method: clinical testing. Allele origin: germline.

Labcorp Genetics (formerly Invitae), Labcorp
Classification: Uncertain significance. Last evaluated: 2022-10-24. Review status: criteria provided, single submitter. Criteria: Invitae Variant Classification Sherloc (09022015). Collection method: clinical testing. Allele origin: germline.
Comment: This sequence change replaces lysine, which is basic and polar, with arginine, which is basic and polar, at codon 850 of the DENND5A protein (p.Lys850Arg). This variant is present in population databases (rs375594512, gnomAD 0.03%). This variant has not been reported in the literature in individuals affected with DENND5A-related conditions. Advanced modeling of protein sequence and biophysical properties (such as structural, functional, and spatial information, amino acid conservation, physicochemical variation, residue mobility, and thermodynamic stability) performed at Invitae indicates that this missense variant is not expected to disrupt DENND5A protein function. In summary, the available evidence is currently insufficient to determine the role of this variant in disease. Therefore, it has been classified as a Variant of Uncertain Significance.

Dr. Peter K. Rogan Lab, Western University
No classification provided (evidence only). Condition: Ovarian serous cystadenocarcinoma. Review status: no classification provided. Collection method: in vitro. Allele origin: not applicable. Functional consequence: retained intron. Not counted in ClinVar's aggregate classification.

NM_015213.4(DENND5A):c.2549A>G (p.Lys850Arg)

Gene: DENND5A (DENN domain containing 5A; minus strand). Cytogenetic location: 11p15.4.
Variant type: single nucleotide variant.
Coding change: c.2549A>G on transcript NM_015213.4 (MANE Select); coding-DNA position 2549, A replaced by G.
Protein change: p.Lys850Arg; replaces lysine 850 with arginine.
Molecular consequence: missense variant. On other transcripts: non-coding transcript variant (1).
Genome position (GRCh38, 1-based): chr11:9,150,737, T>C on the plus strand (A>G on the coding strand, the complement: DENND5A is on the minus strand). VCF-style: chr11-9150737-T-C. GRCh37 (hg19) VCF-style: chr11-9172284-T-C.
Other names: c.2549A>G, p.Lys850Arg (NM_001243254.2, NM_001348748.1); c.2477A>G, p.Lys826Arg (NM_001348749.2); c.2261A>G, p.Lys754Arg (NM_001348750.2); c.2549A>G (NM_015213.3); short protein forms K754R, K826R, K850R.
Identifiers: ClinVar variation 1906206 (VCV001906206.4), dbSNP rs375594512, ClinGen allele CA5877292.
Genomic context (GRCh38, chr11:9,150,737, plus strand): 5'-GACCTCATATCCTGAATCAGGGAGATCCTCAGGGGAGGCATGAGTGAGCTGGCATCAGAC[T>C]TCCTACGTTCTGAATCAAGAAGTATTCCTAGAATAAACAAGTTGGTCATGTCCAAAGAGA-3'
Protein context (NP_056028.2, residues 840-860): SGILLDSERR[Lys850Arg]SDASSLMPPL